The following is an entry in ClinVar:

ClinVar aggregate classification (germline): Likely pathogenic. Review status: reviewed by expert panel (3 of 4 stars). 2 submissions from 2 submitters: Likely pathogenic (1). 1 of the submissions does not count toward it. Last evaluated 2026-09-26.

Conditions:
Juvenile retinoschisis (RS1). Also called: X-linked retinoschisis; X-Linked Juvenile Retinoschisis. Identifiers: Orphanet 792, MedGen C3714753, MONDO:0010725, OMIM 312700.

Submissions (2):

ClinGen X-linked Inherited Retinal Disease Variant Curation Expert Panel, ClinGen
Classification: Likely pathogenic for Juvenile retinoschisis. Last evaluated: 2026-09-26. Review status: reviewed by expert panel. Criteria: ClinGen X LinkedIRD ACMG Specifications RS1 V1.0.0. Collection method: curation. Allele origin: germline. Inheritance: X-linked inheritance.
Comment: The NM_000330.4(RS1):c.599G>T (p.Arg200Leu) variant is a missense variant encoding the substitution of Arginine and Leucine at amino acid 200. This variant is present in gnomAD v.4.1.0 at a frequency of 0.00000251 among hemizygous individuals, with 1 variant allele / 398409 total hemizygous alleles, which is between the ClinGen X-linked IRD VCEP PM2_Supporting and BS1 threshold of 0.000002 to 0.00002 and fails to meet these criteria. The computational predictor REVEL gives a score of 0.982, which is above the ClinGen X-linked IRD VCEP threshold of >0.932 and predicts a damaging effect on RS1 function (PP3_strong). The computational splicing predictor SpliceAI gives a delta score of 0.00 for all predictive splice changes, which is below the ClinGen X-linked IRD VCEP threshold of >0.2 and does not predict that the variant disrupts RS1 splicing. This variant p.Arg200His, of the RS1 gene, is a missense substitution affecting an established residue involved in cross-linking the adjacent RS1 subunit defined by the ClinGen X-linked IRD VCEP (PMID: 27114531). The combination of PP3_strong and PM1 code at any strength is ineligible, and therefore, the PM1 code was not met. Another missense variant in the same codon, NM_000330.4(RS1):c.599G>A (p.Arg200His), (PMIDs: 30652005, 32300273, 30551202, 22245991, 21701876, 28147405, 10533068, 27114531) has been classified as pathogenic for X-linked retinoschisis by the ClinGen X-linked IRD VCEP, while no benign missense variants have been identified in this codon. The present variant has a higher Grantham’s distance (102) than the comparison variant (29), and SpliceAI has been used to confirm that neither variant has a predicted impact on RS1 splicing (PM5). At least one proband harboring this variant exhibits the following phenotypes, including the appearance of schisis and reduced visual acuity before age 13 years, which together are specific for X-linked retinoschisis (PMID: 30450322, PP4). In summary, this variant is classified as likely pathogenic for X-linked retinoschisis based on the ClinGen X-linked Inherited Retinal Disease Expert Panel Specifications to the ACMG/AMP Variant Interpretation Guidelines for RS1 Version 1.0.0: PP3_Strong, PM5, PP4.

Labcorp Genetics (formerly Invitae), Labcorp
Classification: Pathogenic. Last evaluated: 2025-01-15. Review status: criteria provided, single submitter. Criteria: Invitae Variant Classification Sherloc (09022015). Collection method: clinical testing. Allele origin: germline. Not counted in ClinVar's aggregate classification.
Comment: This sequence change replaces arginine, which is basic and polar, with leucine, which is neutral and non-polar, at codon 200 of the RS1 protein (p.Arg200Leu). This variant is not present in population databases (gnomAD no frequency). This missense change has been observed in individuals with X-linked juvenile retinoschisis (PMID: 30450322; internal data). Invitae Evidence Modeling of protein sequence and biophysical properties (such as structural, functional, and spatial information, amino acid conservation, physicochemical variation, residue mobility, and thermodynamic stability) indicates that this missense variant is expected to disrupt RS1 protein function with a positive predictive value of 95%. This variant disrupts the p.Arg200 amino acid residue in RS1. Other variant(s) that disrupt this residue have been determined to be pathogenic (PMID: 9618178, 28272453, 30652005). This suggests that this residue is clinically significant, and that variants that disrupt this residue are likely to be disease-causing. For these reasons, this variant has been classified as Pathogenic.

Literature cited by the submitters: PubMed 30450322 (cited by Labcorp Genetics (formerly Invitae), Labcorp); PubMed 9618178 (cited by Labcorp Genetics (formerly Invitae), Labcorp); PubMed 28272453 (cited by Labcorp Genetics (formerly Invitae), Labcorp); PubMed 30652005 (cited by Labcorp Genetics (formerly Invitae), Labcorp).

NM_000330.4(RS1):c.599G>T (p.Arg200Leu)

Genes: CDKL5 (cyclin dependent kinase like 5; plus strand), RS1 (retinoschisin 1; minus strand). Cytogenetic location: Xp22.13.
Variant type: single nucleotide variant.
Coding change: c.599G>T on transcript NM_000330.4 (MANE Select); coding-DNA position 599, G replaced by T.
Protein change: p.Arg200Leu; replaces arginine 200 with leucine.
Molecular consequence: missense variant. On other transcripts: intron variant (2).
Genome position (GRCh38, 1-based): chrX:18,642,080, C>A on the plus strand (G>T on the coding strand, the complement: RS1 is on the minus strand). VCF-style: chrX-18642080-C-A. GRCh37 (hg19) VCF-style: chrX-18660200-C-A.
Other names: NM_000330.4(RS1):c.599G>T; p.Arg200Leu; c.2714-3927C>A (NM_003159.3, NM_001037343.2); short protein forms R200L.
Identifiers: ClinVar variation 3706412 (VCV003706412.3).